The following is an entry in ClinVar:

NM_001035.3(RYR2):c.4183C>T (p.Pro1395Ser)

Gene: RYR2 (ryanodine receptor 2; plus strand). Cytogenetic location: 1q43.
Variant type: single nucleotide variant.
Coding change: c.4183C>T on transcript NM_001035.3 (MANE Select); coding-DNA position 4183, C replaced by T.
Protein change: p.Pro1395Ser; replaces proline 1395 with serine.
Molecular consequence: missense variant.
Genome position (GRCh38, 1-based): chr1:237,591,761, C>T. VCF-style: chr1-237591761-C-T. GRCh37 (hg19) VCF-style: chr1-237755061-C-T.
Other names: short protein forms P1395S.
Identifiers: ClinVar variation 5028694 (VCV005028694.1).

ClinVar aggregate classification (germline): Uncertain significance (1 of 4 stars; one submission).

Conditions:
Cardiovascular phenotype. Identifiers: MedGen CN230736.

Submission:

Ambry Genetics
Classification: Uncertain significance for Cardiovascular phenotype. Last evaluated: 2026-07-24. Review status: criteria provided, single submitter. Criteria: Ambry Variant Classification Scheme 2023. Collection method: clinical testing. Allele origin: germline.
Comment: The p.P1395S variant (also known as c.4183C>T), located in coding exon 32 of the RYR2 gene, results from a C to T substitution at nucleotide position 4183. The proline at codon 1395 is replaced by serine, an amino acid with similar properties. This amino acid position is conserved. In addition, the in silico prediction for this alteration is inconclusive. Based on the available evidence, the clinical significance of this variant remains unclear.